The following is an entry in ClinVar:

ClinVar aggregate classification (germline): Conflicting classifications of pathogenicity. Review status: criteria provided, conflicting classifications (1 of 4 stars). 7 submissions from 7 submitters: Pathogenic (2); Likely pathogenic (3); Uncertain significance (1). 1 of the submissions does not count toward it. Last evaluated 2024-08-31.

Conditions:
KCND3-related disorder. Also called: KCND3-related condition.
Neurodevelopmental delay. Identifiers: MedGen C4022738, HP:0012758.
Spinocerebellar ataxia type 19/22 (SCA19). Also called: SPINOCEREBELLAR ATAXIA 22; SPINOCEREBELLAR ATAXIA 19. Identifiers: Orphanet 98772, MedGen C1846367, MONDO:0011819, OMIM 607346.

Submissions (7):

Labcorp Genetics (formerly Invitae), Labcorp
Classification: Uncertain significance for Spinocerebellar ataxia type 19/22. Last evaluated: 2024-08-31. Review status: criteria provided, single submitter. Criteria: Invitae Variant Classification Sherloc (09022015). Collection method: clinical testing. Allele origin: germline.
Comment: This sequence change replaces glycine, which is neutral and non-polar, with arginine, which is basic and polar, at codon 371 of the KCND3 protein (p.Gly371Arg). This variant is not present in population databases (gnomAD no frequency). This missense change has been observed in individual(s) with autism, developmental disorders and/or clinical features of spinocerebellar ataxia (PMID: 31017293, 33057194, 35982159). In at least one individual the variant was observed to be de novo. ClinVar contains an entry for this variant (Variation ID: 383943). Invitae Evidence Modeling of protein sequence and biophysical properties (such as structural, functional, and spatial information, amino acid conservation, physicochemical variation, residue mobility, and thermodynamic stability) has been performed for this missense variant. However, the output from this modeling did not meet the statistical confidence thresholds required to predict the impact of this variant on KCND3 protein function. In summary, the available evidence is currently insufficient to determine the role of this variant in disease. Therefore, it has been classified as a Variant of Uncertain Significance.

Athena Diagnostics
Classification: Pathogenic. Last evaluated: 2024-04-23. Review status: criteria provided, single submitter. Criteria: Athena Diagnostics Criteria. Collection method: clinical testing. Allele origin: unknown.
Comment: This variant alters a critical location within the protein, and is expected to severely affect function and cause disease. This variant has not been reported in large, multi-ethnic general populations. This variant appears to occur de novo in multiple individuals with clinical features associated with this gene. Computational tools yielded predictions that this variant may result in the gain of a cryptic splice site without affecting the natural splice sites. Polyphen and MutationTaster predict this amino acid change may be damaging to the protein.

GeneDx
Classification: Pathogenic. Last evaluated: 2023-12-09. Review status: criteria provided, single submitter. Criteria: GeneDx Variant Classification Process June 2021. Collection method: clinical testing. Allele origin: germline. Affected: yes.
Comment: Not observed in large population cohorts (gnomAD); In silico analysis supports that this missense variant has a deleterious effect on protein structure/function; This variant is associated with the following publications: (PMID: 31017293)

Duke University Health System Sequencing Clinic, Duke University Health System
Classification: Likely pathogenic for Neurodevelopmental delay. Last evaluated: 2023-04-20. Review status: criteria provided, single submitter. Criteria: ACMG Guidelines, 2015. Collection method: research. Allele origin: de novo. Affected: yes.

Blueprint Genetics
Classification: Likely pathogenic for KCND3-related disorders. Last evaluated: 2021-01-27. Review status: criteria provided, single submitter. Criteria: ACMG Guidelines, 2015. Collection method: clinical testing. Allele origin: germline. Affected: yes. Observed: 1 variant allele.

NeuroMeGen, Hospital Clinico Santiago de Compostela
Classification: Likely pathogenic for Spinocerebellar ataxia type 19/22. Last evaluated: 2018-11-06. Review status: criteria provided, single submitter. Criteria: ACMG Guidelines, 2015. Collection method: clinical testing. Allele origin: de novo. Affected: yes. Observed: 1 variant allele.

Clinical Genetics Laboratory, University Hospital Schleswig-Holstein
Classification: Likely pathogenic for Spinocerebellar ataxia type 19/22. Last evaluated: 2023-09-21. Review status: no assertion criteria provided. Collection method: clinical testing. Allele origin: germline. Affected: yes. Not counted in ClinVar's aggregate classification.

Literature cited by the submitters: PubMed 31017293 (cited by Labcorp Genetics (formerly Invitae), Labcorp and Athena Diagnostics); PubMed 33057194 (cited by Labcorp Genetics (formerly Invitae), Labcorp and Athena Diagnostics); PubMed 35982159 (cited by Labcorp Genetics (formerly Invitae), Labcorp and Athena Diagnostics); PubMed 35468861 (cited by Athena Diagnostics); PubMed 33014011 (cited by Athena Diagnostics).

NM_001378969.1(KCND3):c.1111G>A (p.Gly371Arg)

Gene: KCND3 (potassium voltage-gated channel subfamily D member 3; minus strand). Cytogenetic location: 1p13.2.
Variant type: single nucleotide variant.
Coding change: c.1111G>A on transcript NM_001378969.1 (MANE Select); coding-DNA position 1111, G replaced by A.
Protein change: p.Gly371Arg; replaces glycine 371 with arginine.
Molecular consequence: missense variant.
Genome position (GRCh38, 1-based): chr1:111,787,102, C>T on the plus strand (G>A on the coding strand, the complement: KCND3 is on the minus strand). VCF-style: chr1-111787102-C-T. GRCh37 (hg19) VCF-style: chr1-112329724-C-T.
Other names: c.1111G>A, p.Gly371Arg (NM_001378970.1, NM_004980.5, NM_172198.3); short protein forms G371R.
Identifiers: ClinVar variation 383943 (VCV000383943.15), dbSNP rs1057521793, ClinGen allele CA16603398.